The following is an entry in ClinVar:

ClinVar aggregate classification (germline): Uncertain significance. Review status: criteria provided, multiple submitters, no conflicts (2 of 4 stars). 2 submissions from 2 submitters: Uncertain significance (2). Last evaluated 2024-02-03.

Conditions:
Polycystic liver disease 2 (PCLD2). Also called: Polycystic liver disease 2 with or without kidney cysts. Identifiers: Orphanet 2924, MedGen C4310769, MONDO:0014860, OMIM 617004.

Submissions (2):

Fulgent Genetics
Classification: Uncertain significance for Polycystic liver disease 2. Last evaluated: 2024-02-03. Review status: criteria provided, single submitter. Criteria: ACMG Guidelines, 2015. Collection method: clinical testing. Allele origin: germline.

GeneDx
Classification: Uncertain significance. Last evaluated: 2023-10-22. Review status: criteria provided, single submitter. Criteria: GeneDx Variant Classification Process June 2021. Collection method: clinical testing. Allele origin: germline. Affected: yes.
Comment: In silico analysis supports a deleterious effect on protein structure/function; Has not been previously published as pathogenic or benign to our knowledge

NM_007214.5(SEC63):c.1703_1704inv (p.Glu568Val)

Gene: SEC63 (SEC63 homolog, protein translocation regulator; minus strand). Cytogenetic location: 6q21.
Variant type: Inversion.
Coding change: c.1703_1704inv on transcript NM_007214.5 (MANE Select).
Protein change: p.Glu568Val; replaces glutamic acid 568 with valine.
Molecular consequence: missense variant.
Genome position: GRCh38 VCF-style: chr6-107883117-TT-AA. GRCh37 (hg19) VCF-style: chr6-108204321-TT-AA.
Other names: c.1703_1704delinsTT (NM_007214.5); short protein forms E568V.
Identifiers: ClinVar variation 3363420 (VCV003363420.2).